The following is an entry in ClinVar:

NM_022095.4(ZNF335):c.3715C>G (p.Gln1239Glu)

Gene: ZNF335 (zinc finger protein 335; minus strand). Cytogenetic location: 20q13.12.
Variant type: single nucleotide variant.
Coding change: c.3715C>G on transcript NM_022095.4 (MANE Select); coding-DNA position 3715, C replaced by G.
Protein change: p.Gln1239Glu; replaces glutamine 1239 with glutamic acid.
Molecular consequence: missense variant.
Genome position (GRCh38, 1-based): chr20:45,949,523, G>C on the plus strand (C>G on the coding strand, the complement: ZNF335 is on the minus strand). VCF-style: chr20-45949523-G-C. GRCh37 (hg19) VCF-style: chr20-44578162-G-C.
Other names: short protein forms Q1239E.
Identifiers: ClinVar variation 3898688 (VCV003898688.7).

ClinVar aggregate classification (germline): Uncertain significance (1 of 4 stars; one submission).

Submission:

CeGaT Center for Human Genetics Tuebingen
Classification: Uncertain significance. Last evaluated: 2025-04-01. Review status: criteria provided, single submitter. Criteria: CeGaT Center For Human Genetics Tuebingen Variant Classification Criteria Version 2. Collection method: clinical testing. Allele origin: germline. Affected: yes. Observed: 1 variant allele.
Comment: ZNF335: PM2